The following is an entry in ClinVar:

ClinVar aggregate classification (germline): Likely benign. Review status: criteria provided, single submitter (1 of 4 stars). 2 submissions from 2 submitters: Likely benign (1). 1 of the submissions does not count toward it. Last evaluated 2026-08-01.

Conditions:
ZFHX3-related disorder. Also called: ZFHX3-related condition.

Allele frequency attached by ClinVar (database versions not stated): 1000 Genomes Project 30x 0.00031; 1000 Genomes Project 0.00040; ESP Exome Variant Server 0.00062.
gnomAD v4.1: 1,358 of 1,608,294 alleles (0.084%); highest among the groups gnomAD compares: Non-Finnish European, 0.079%; 3 homozygotes.

Submissions (2):

CeGaT Center for Human Genetics Tuebingen
Classification: Likely benign. Last evaluated: 2026-08-01. Review status: criteria provided, single submitter. Criteria: CeGaT Center For Human Genetics Tuebingen Variant Classification Criteria Version 2. Collection method: clinical testing. Allele origin: germline. Affected: yes. Observed: 6 variant alleles.
Comment: ZFHX3: BP4, BP7

PreventionGenetics, part of Exact Sciences
Classification: Likely benign for ZFHX3-related condition. Last evaluated: 2019-09-05. Review status: no assertion criteria provided. Collection method: clinical testing. Allele origin: germline. Not counted in ClinVar's aggregate classification.
Comment: This variant is classified as likely benign based on ACMG/AMP sequence variant interpretation guidelines (Richards et al. 2015 PMID: 25741868, with internal and published modifications).

NM_006885.4(ZFHX3):c.1149C>G (p.Ser383=)

Gene: ZFHX3 (zinc finger homeobox 3; minus strand). Cytogenetic location: 16q22.3.
Variant type: single nucleotide variant.
Coding change: c.1149C>G on transcript NM_006885.4 (MANE Select); coding-DNA position 1149, C replaced by G.
Protein change: p.Ser383=; no amino-acid change (serine 383 retained).
Molecular consequence: synonymous variant. On other transcripts: intron variant (1).
Genome position (GRCh38, 1-based): chr16:72,958,997, G>C on the plus strand (C>G on the coding strand, the complement: ZFHX3 is on the minus strand). VCF-style: chr16-72958997-G-C. GRCh37 (hg19) VCF-style: chr16-72992896-G-C.
Other names: c.1149C>G, p.Ser383= (NM_001386735.1); c.-23-8032C>G (NM_001164766.2); c.1149C>G (NM_006885.3).
Identifiers: ClinVar variation 2646848 (VCV002646848.25), dbSNP rs201339061, ClinGen allele CA8164816.